The following is an entry in ClinVar:

ClinVar aggregate classification (germline): Uncertain significance (1 of 4 stars; one submission).

Conditions:
Inborn genetic diseases. Identifiers: MedGen C0950123, MeSH D030342.

gnomAD v4.1: 11 of 1,613,138 alleles (0.00068%); highest among the groups gnomAD compares: Non-Finnish European, 0.00093%; no homozygotes.

Submission:

Ambry Genetics
Classification: Uncertain significance for Inborn genetic diseases. Last evaluated: 2025-10-21. Review status: criteria provided, single submitter. Criteria: Ambry Variant Classification Scheme 2023. Collection method: clinical testing. Allele origin: germline.
Comment: The c.872-2A>G intronic variant results from an A to G substitution two nucleotides upstream from coding exon 3 in the GATA2 gene. Alterations that disrupt the canonical splice site are expected to result in aberrant splicing. In silico splice site analysis predicts that this alteration will weaken the native splice acceptor site and may result in the creation or strengthening of a novel splice acceptor site. A resulting transcript is predicted to be in-frame and is not expected to trigger nonsense-mediated mRNAdecay; although, direct evidence is unavailable. This nucleotide position is highly conserved in available vertebrate species. Based on the available evidence, the clinical significance of this variant remains unclear.

NM_032638.5(GATA2):c.872-2A>G

Gene: GATA2 (GATA binding protein 2; minus strand). Cytogenetic location: 3q21.3.
Variant type: single nucleotide variant.
Coding change: c.872-2A>G on transcript NM_032638.5 (MANE Select); the canonical splice acceptor site of the intron before coding-DNA position 872, A replaced by G.
Molecular consequence: splice acceptor variant.
Genome position (GRCh38, 1-based): chr3:128,484,007, T>C on the plus strand (A>G on the coding strand, the complement: GATA2 is on the minus strand). VCF-style: chr3-128484007-T-C. GRCh37 (hg19) VCF-style: chr3-128202850-T-C.
Other names: c.872-2A>G (NM_001145662.1, NM_001145661.2).
Identifiers: ClinVar variation 4620627 (VCV004620627.1).
Genomic context (GRCh38, chr3:128,484,007, plus strand): 5'-GCCGTCCCGCCGCCAGAGAGGGGTGGCTGTGGCCCCACAGTTGACACACTCCCGGCCTTC[T>C]GCAGGGGAACAGGGAGAGACACGGGGGCCTGCTTAACCGGCAAGTTCTCGGGAGGGAGTC-3'